The following is an entry in ClinVar:

NM_000059.4(BRCA2):c.4848_4849del (p.Leu1616_Ser1617insTer)

Gene: BRCA2 (BRCA2 DNA repair associated; plus strand). Cytogenetic location: 13q13.1.
Variant type: Deletion.
Coding change: c.4848_4849del on transcript NM_000059.4 (MANE Select); coding-DNA positions 4848 to 4849, 2 bases deleted (AA; older notation c.4848_4849delAA).
Protein change: p.Leu1616_Ser1617insTer.
Molecular consequence: frameshift variant.
Genome position (GRCh38, 1-based): chr13:32,339,203-32,339,204, AA deleted. VCF-style (leftmost placement, unchanged base first): chr13-32339202-TAA-T. GRCh37 (hg19) VCF-style: chr13-32913339-TAA-T.
Other names: c.4848_4849delAA (NM_000059.3).
Identifiers: ClinVar variation 51726 (VCV000051726.17), dbSNP rs397507746, ClinGen allele CA020906.

ClinVar aggregate classification (germline): Pathogenic. Review status: reviewed by expert panel (3 of 4 stars). 7 submissions from 7 submitters: Pathogenic (1). 6 of the submissions do not count toward it. Last evaluated 2017-12-15.

Conditions:
Hereditary breast ovarian cancer syndrome. Also called: Hereditary breast and ovarian cancer syndrome; Hereditary breast and ovarian cancer; Hereditary breast and ovarian cancer syndrome (HBOC); Breast and ovarian cancer; Hereditary breast and/or ovarian cancer syndrome; BRCA1- and BRCA2-Associated Hereditary Breast and Ovarian Cancer. Identifiers: Orphanet 145, MedGen C0677776, MeSH D061325, MONDO:0003582. Disease mechanism: loss of function.
Hereditary cancer-predisposing syndrome. Also called: Neoplastic Syndromes, Hereditary; Tumor predisposition; Hereditary neoplastic syndrome; Hereditary Cancer Syndrome. Identifiers: Orphanet 140162, MedGen C0027672, MeSH D009386, MONDO:0015356.
Breast-ovarian cancer, familial, susceptibility to, 2 (BROVCA2). Also called: BRCA2 Hereditary Breast and Ovarian Cancer. Identifiers: Orphanet 145, MedGen C2675520, MONDO:0012933, OMIM 612555. Disease mechanism: loss of function.
Familial cancer of breast. Also called: BREAST CANCER, FAMILIAL; Hereditary breast cancer; hereditary breast carcinoma. Identifiers: Orphanet 227535, MedGen C0346153, MONDO:0016419, OMIM 114480. Disease mechanism: loss of function.

Submissions (7):

Evidence-based Network for the Interpretation of Germline Mutant Alleles (ENIGMA)
Classification: Pathogenic for Breast-ovarian cancer, familial, susceptibility to, 2. Last evaluated: 2017-12-15. Review status: reviewed by expert panel. Criteria: ENIGMA BRCA1/2 Classification Criteria (2017-06-29). Collection method: curation. Allele origin: germline. Study: ENIGMA.
Comment: Variant allele predicted to encode a truncated non-functional protein.

Ambry Genetics
Classification: Pathogenic for Hereditary cancer-predisposing syndrome. Last evaluated: 2025-06-16. Review status: criteria provided, single submitter. Criteria: Ambry Variant Classification Scheme 2023. Collection method: clinical testing. Allele origin: germline. Not counted in ClinVar's aggregate classification.
Comment: The c.4848_4849delAA pathogenic mutation, located in coding exon 10 of the BRCA2 gene, results from a deletion of two nucleotides at nucleotide positions 4848 to 4849, causing a translational frameshift with a predicted alternate stop codon (p.S1617*). This mutation displayed sensitivity to PARP inhibitors in a patient-derived, ovarian cancer tissue xenograft model of disease (Kortmann U et al. Clin Cancer Res, 2011 Feb;17:783-91). This variant is considered to be rare based on population cohorts in the Genome Aggregation Database (gnomAD). This alteration is expected to result in loss of function by premature protein truncation or nonsense-mediated mRNA decay. As such, this alteration is interpreted as a disease-causing mutation.

Labcorp Genetics (formerly Invitae), Labcorp
Classification: Pathogenic for Hereditary breast ovarian cancer syndrome. Last evaluated: 2023-11-09. Review status: criteria provided, single submitter. Criteria: Invitae Variant Classification Sherloc (09022015). Collection method: clinical testing. Allele origin: germline. Not counted in ClinVar's aggregate classification.
Comment: This sequence change creates a premature translational stop signal (p.Ser1617*) in the BRCA2 gene. It is expected to result in an absent or disrupted protein product. Loss-of-function variants in BRCA2 are known to be pathogenic (PMID: 20104584). This variant is not present in population databases (gnomAD no frequency). This premature translational stop signal has been observed in individual(s) with breast cancer (PMID: 22752604, 22776961). ClinVar contains an entry for this variant (Variation ID: 51726). For these reasons, this variant has been classified as Pathogenic.

Baylor Genetics
Classification: Pathogenic for Familial cancer of breast. Last evaluated: 2023-10-18. Review status: criteria provided, single submitter. Criteria: ACMG Guidelines, 2015. Collection method: clinical testing. Allele origin: unknown. Not counted in ClinVar's aggregate classification.

Quest Diagnostics Nichols Institute San Juan Capistrano
Classification: Pathogenic. Last evaluated: 2021-10-28. Review status: criteria provided, single submitter. Criteria: Quest Diagnostics criteria. Collection method: clinical testing. Allele origin: unknown. Not counted in ClinVar's aggregate classification.
Comment: This frameshift variant alters the translational reading frame of the BRCA2 mRNA and causes the premature termination of BRCA2 protein synthesis. This variant has not been reported in large, multi-ethnic general populations. In the published literature, the variant has been reported in In the published literature, the variant has been reported in individuals with breast cancer and ovarian cancer (PMIDs: 22752604 (2012), 22776961 (2012)). Based on the available information, this variant is classified as pathogenic.

Color Diagnostics, LLC DBA Color Health
Classification: Pathogenic for Hereditary cancer-predisposing syndrome. Last evaluated: 2019-09-16. Review status: criteria provided, single submitter. Criteria: ACMG Guidelines, 2015. Collection method: clinical testing. Allele origin: germline. Not counted in ClinVar's aggregate classification.
Comment: This variant deletes 2 nucleotides in exon 11 of the BRCA2 gene, creating a frameshift and premature translation stop signal. This variant is expected to result in an absent or non-functional protein product. Splice site prediction tools suggest that this variant may not impact RNA splicing. To our knowledge, functional studies have not been performed for this variant. This variant has been reported in an individual affected with ovarian cancer (PMID: 22776961). This variant has not been identified in the general population by the Genome Aggregation Database (gnomAD). Loss of BRCA2 function is a known mechanism of disease. Based on the available evidence, this variant is classified as Pathogenic.

ClinVar Staff, National Center for Biotechnology Information (NCBI)
No classification provided. Condition: Familial cancer of breast. Review status: no classification provided. Collection method: literature only. Allele origin: germline. Affected: yes. Not counted in ClinVar's aggregate classification.

Literature cited by the submitters: PubMed 21097693 (cited by Ambry Genetics); PubMed 20104584 (cited by Labcorp Genetics (formerly Invitae), Labcorp); PubMed 22752604 (cited by Labcorp Genetics (formerly Invitae), Labcorp and Quest Diagnostics Nichols Institute San Juan Capistrano); PubMed 22776961 (cited by 3 submitters).